The following is an entry in ClinVar:

NM_000388.4(CASR):c.2569A>T (p.Ile857Phe)

Gene: CASR (calcium sensing receptor; plus strand). Cytogenetic location: 3q21.1.
Variant type: single nucleotide variant.
Coding change: c.2569A>T on transcript NM_000388.4 (MANE Select); coding-DNA position 2569, A replaced by T.
Protein change: p.Ile857Phe; replaces isoleucine 857 with phenylalanine.
Molecular consequence: missense variant.
Genome position (GRCh38, 1-based): chr3:122,284,523, A>T. VCF-style: chr3-122284523-A-T. GRCh37 (hg19) VCF-style: chr3-122003370-A-T.
Other names: c.2599A>T, p.Ile867Phe (NM_001178065.2); short protein forms I857F, I867F.
Identifiers: ClinVar variation 1793191 (VCV001793191.2), dbSNP rs2473280759, ClinGen allele CA354160312.

ClinVar aggregate classification (germline): Uncertain significance (1 of 4 stars; one submission).

Conditions:
Nephrolithiasis/nephrocalcinosis. Identifiers: MedGen CN580796.

Submission:

Ambry Genetics
Classification: Uncertain significance for Nephrolithiasis/nephrocalcinosis. Last evaluated: 2021-07-26. Review status: criteria provided, single submitter. Criteria: Ambry Variant Classification Scheme 2023. Collection method: clinical testing. Allele origin: germline.
Comment: The p.I857F variant (also known as c.2569A>T), located in coding exon 6 of the CASR gene, results from an A to T substitution at nucleotide position 2569. The isoleucine at codon 857 is replaced by phenylalanine, an amino acid with highly similar properties. This amino acid position is conserved. In addition, the in silico prediction for this alteration is inconclusive. Since supporting evidence is limited at this time, the clinical significance of this alteration remains unclear.